The following is an entry in ClinVar:

ClinVar aggregate classification (germline): Conflicting classifications of pathogenicity. Review status: criteria provided, conflicting classifications (1 of 4 stars). 2 submissions from 2 submitters: Uncertain significance (1); Likely benign (1). Last evaluated 2023-09-18.

gnomAD v4.1: 14 of 1,577,816 alleles (0.00089%); highest among the groups gnomAD compares: Middle Eastern, 0.051%; no homozygotes.

Submissions (2):

Blueprint Genetics
Classification: Likely benign. Last evaluated: 2023-09-18. Review status: criteria provided, single submitter. Criteria: ACMG Guidelines, 2015. Collection method: clinical testing. Allele origin: germline.

Women's Health and Genetics/Laboratory Corporation of America, LabCorp
Classification: Uncertain significance. Last evaluated: 2022-12-06. Review status: criteria provided, single submitter. Criteria: LabCorp Variant Classification Summary - May 2015. Collection method: clinical testing. Allele origin: germline.
Comment: Variant summary: TTN c.62012-15T>C alters a non-conserved nucleotide located close to a canonical splice site and therefore could affect mRNA splicing, leading to a significantly altered protein sequence. 4/4 computational tools predict no significant impact on normal splicing. However, these predictions have yet to be confirmed by functional studies. The variant allele was found at a frequency of 4.7e-06 in 214170 control chromosomes (gnomAD). The available data on variant occurrences in the general population are insufficient to allow any conclusion about variant significance. To our knowledge, no occurrence of c.62012-15T>C in individuals affected with Limb-Girdle Muscular Dystrophy, Type 2J and no experimental evidence demonstrating its impact on protein function have been reported. No clinical diagnostic laboratories have submitted clinical-significance assessments for this variant to ClinVar after 2014. Based on the evidence outlined above, the variant was classified as uncertain significance.

NM_001267550.2(TTN):c.69716-15T>C

Genes: TTN (titin; minus strand), TTN-AS1 (TTN antisense RNA 1; plus strand), LOC126806422 (BRD4-independent group 4 enhancer GRCh37_chr2:179440205-179441404; plus strand). Cytogenetic location: 2q31.2.
Variant type: single nucleotide variant.
Coding change: c.69716-15T>C on transcript NM_001267550.2 (MANE Select); 15 bases into the intron before coding-DNA position 69716, T replaced by C.
Molecular consequence: intron variant.
Genome position (GRCh38, 1-based): chr2:178,576,431, A>G on the plus strand (T>C on the coding strand, the complement: TTN is on the minus strand). VCF-style: chr2-178576431-A-G. GRCh37 (hg19) VCF-style: chr2-179441158-A-G.
Other names: c.42521-15T>C (NM_003319.4); c.43097-15T>C (NM_133437.4); c.42896-15T>C (NM_133432.3); c.62012-15T>C (NM_133378.4); c.64793-15T>C (NM_001256850.1).
Identifiers: ClinVar variation 1878228 (VCV001878228.2), dbSNP rs374363551, ClinGen allele CA1990887.